The following is an entry in ClinVar:

NM_002890.3(RASA1):c.29A>T (p.Glu10Val)

Gene: RASA1 (RAS p21 protein activator 1; plus strand). Cytogenetic location: 5q14.3.
Variant type: single nucleotide variant.
Coding change: c.29A>T on transcript NM_002890.3 (MANE Select); coding-DNA position 29, A replaced by T.
Protein change: p.Glu10Val; replaces glutamic acid 10 with valine.
Molecular consequence: missense variant.
Genome position (GRCh38, 1-based): chr5:87,268,480, A>T. VCF-style: chr5-87268480-A-T. GRCh37 (hg19) VCF-style: chr5-86564297-A-T.
Other names: short protein forms E10V.
Identifiers: ClinVar variation 2760024 (VCV002760024.3), dbSNP rs2531001934, ClinGen allele CA360416644.

ClinVar aggregate classification (germline): Uncertain significance (1 of 4 stars; one submission).

Conditions:
Capillary malformation-arteriovenous malformation syndrome. Also called: Capillary malformation-arteriovenous malformation. Identifiers: Orphanet 137667, MedGen C1842180, MONDO:0012016.

Submission:

Labcorp Genetics (formerly Invitae), Labcorp
Classification: Uncertain significance for Capillary malformation-arteriovenous malformation syndrome. Last evaluated: 2023-12-30. Review status: criteria provided, single submitter. Criteria: Invitae Variant Classification Sherloc (09022015). Collection method: clinical testing. Allele origin: germline.
Comment: This sequence change replaces glutamic acid, which is acidic and polar, with valine, which is neutral and non-polar, at codon 10 of the RASA1 protein (p.Glu10Val). This variant is not present in population databases (gnomAD no frequency). This variant has not been reported in the literature in individuals affected with RASA1-related conditions. An algorithm developed to predict the effect of missense changes on protein structure and function (PolyPhen-2) suggests that this variant is likely to be tolerated. In summary, the available evidence is currently insufficient to determine the role of this variant in disease. Therefore, it has been classified as a Variant of Uncertain Significance.